The following is an entry in ClinVar:

ClinVar aggregate classification (germline): Uncertain significance (1 of 4 stars; one submission).

Conditions:
Combined oxidative phosphorylation deficiency 55 (COXPD55). Identifiers: MedGen C5676915, MONDO:0859228, OMIM 619743.

gnomAD v4.1: 1 of 1,604,338 alleles (0.000062%); highest among the groups gnomAD compares: Non-Finnish European, 0.000085%; no homozygotes.

Submission:

Juno Genomics, Hangzhou Juno Genomics, Inc
Classification: Uncertain significance for Combined oxidative phosphorylation deficiency 55. Review status: criteria provided, single submitter. Criteria: ACMG Guidelines, 2015. Collection method: clinical testing. Allele origin: germline.
Comment: Absent from controls (or at extremely low frequency if recessive) in Genome Aggregation Database.;Multiple lines of computational evidence support a deleterious effect on the gene or gene product.

NM_005035.4(POLRMT):c.954G>T (p.Arg318Ser)

Gene: POLRMT (RNA polymerase mitochondrial; minus strand). Cytogenetic location: 19p13.3.
Variant type: single nucleotide variant.
Coding change: c.954G>T on transcript NM_005035.4 (MANE Select); coding-DNA position 954, G replaced by T.
Protein change: p.Arg318Ser; replaces arginine 318 with serine.
Molecular consequence: missense variant. On other transcripts: non-coding transcript variant (1).
Genome position (GRCh38, 1-based): chr19:624,905, C>A on the plus strand (G>T on the coding strand, the complement: POLRMT is on the minus strand). VCF-style: chr19-624905-C-A. GRCh37 (hg19) VCF-style: chr19-624905-C-A.
Other names: c.954G>T, p.Arg318Ser (NM_001407805.1, NM_001407806.1, NM_001407807.1 and 10 more transcripts); c.912G>T, p.Arg304Ser (NM_001407811.1, NM_001407813.1); c.630G>T, p.Arg210Ser (NM_001407831.1, NM_001407833.1, NM_001407834.1 and 2 more transcripts); short protein forms R210S, R304S, R318S.
Identifiers: ClinVar variation 5006038 (VCV005006038.2).
Genomic context (GRCh38, chr19:624,905, plus strand): 5'-CAGAACGGCGGTGAAGAGTGCCTGCAGCTTCAGCCCCTCCTGGCTCATCTGTTCCAGACA[C>A]CTGTGGTGCAGGCGGCCTGCTCGAGGGACGGGCCAGCCCCACGCTGGGCTTCCACAGACC-3'
Protein context (NP_005026.3, residues 308-328): RQDQDAGTIE[Arg318Ser]CLEQMSQEGL